The following is an entry in ClinVar:

ClinVar aggregate classification (germline): Pathogenic (1 of 4 stars; one submission).

Submission:

Labcorp Genetics (formerly Invitae), Labcorp
Classification: Pathogenic. Last evaluated: 2025-08-07. Review status: criteria provided, single submitter. Criteria: Invitae Variant Classification Sherloc (09022015). Collection method: clinical testing. Allele origin: germline.
Comment: This sequence change creates a premature translational stop signal (p.Gln68Serfs*67) in the PAX1 gene. It is expected to result in an absent or disrupted protein product. Loss-of-function variants in PAX1 are known to be pathogenic (PMID: 1889089, 23851939, 28657137, 29681087). This variant is not present in population databases (gnomAD no frequency). This variant has not been reported in the literature in individuals affected with PAX1-related conditions. ClinVar contains an entry for this variant (Variation ID: 3004531). For these reasons, this variant has been classified as Pathogenic.

Literature cited by the submitters: PubMed 1889089; PubMed 23851939; PubMed 28657137; PubMed 29681087.

NM_001257096.2(PAX1):c.201_202del (p.Gln68fs)

Gene: PAX1 (paired box 1; plus strand). Cytogenetic location: 20p11.22.
Variant type: Deletion.
Coding change: c.201_202del on transcript NM_001257096.2 (MANE Select); coding-DNA positions 201 to 202, 2 bases deleted (CC; older notation c.201_202delCC).
Protein change: p.Gln68fs; shifts the reading frame from glutamine 68.
Molecular consequence: frameshift variant.
Genome position (GRCh38, 1-based): chr20:21,705,913-21,705,914, CC deleted; deleting any 2 consecutive bases within chr20:21,705,912-21,705,914 gives the same sequence; the c. name uses the placement nearest the transcript's 3' end. VCF-style (leftmost placement, unchanged base first): chr20-21705911-GCC-G. GRCh37 (hg19) VCF-style: chr20-21686549-GCC-G.
Other names: c.201_202del, p.Gln68fs (NM_006192.5); short protein forms Q68fs.
Identifiers: ClinVar variation 3004531 (VCV003004531.3), dbSNP rs1880141601, ClinGen allele CA1016137735.